The following is an entry in ClinVar:

ClinVar aggregate classification (germline): Uncertain significance (1 of 4 stars; one submission).

Conditions:
Myoclonic dystonia 11 (DYT11). Also called: DYT-SGCE; Myoclonic dystonia; Dystonia 11; Dystonia, alcohol responsive; Hereditary essential myoclonus; SGCE Myoclonus-Dystonia. Identifiers: Orphanet 36899, MedGen C1834570, MONDO:0008044, OMIM 159900.

Allele frequency attached by ClinVar (database versions not stated): ExAC 0.00001; gnomAD exomes 0.00001; 1000 Genomes Project 30x 0.00016; 1000 Genomes Project 0.00020.
gnomAD v4.1: 4 of 1,613,152 alleles (0.00025%); highest among the groups gnomAD compares: South Asian, 0.0022%; no homozygotes.

Submission:

Labcorp Genetics (formerly Invitae), Labcorp
Classification: Uncertain significance for Myoclonic dystonia 11. Last evaluated: 2022-05-27. Review status: criteria provided, single submitter. Criteria: Invitae Variant Classification Sherloc (09022015). Collection method: clinical testing. Allele origin: germline.
Comment: In summary, the available evidence is currently insufficient to determine the role of this variant in disease. Therefore, it has been classified as a Variant of Uncertain Significance. Algorithms developed to predict the effect of sequence changes on RNA splicing suggest that this variant may disrupt the consensus splice site. Algorithms developed to predict the effect of missense changes on protein structure and function are either unavailable or do not agree on the potential impact of this missense change (SIFT: "Tolerated"; PolyPhen-2: "Possibly Damaging"; Align-GVGD: "Class C0"). This variant has not been reported in the literature in individuals affected with SGCE-related conditions. This variant is present in population databases (rs549213726, gnomAD 0.006%). This sequence change replaces methionine, which is neutral and non-polar, with threonine, which is neutral and polar, at codon 225 of the SGCE protein (p.Met225Thr).

NM_003919.3(SGCE):c.674T>C (p.Met225Thr)

Genes: CASD1 (CAS1 domain sialic acid O acetyltransferase 1; plus strand), SGCE (sarcoglycan epsilon; minus strand). Cytogenetic location: 7q21.3.
Variant type: single nucleotide variant.
Coding change: c.674T>C on transcript NM_003919.3 (MANE Select); coding-DNA position 674, T replaced by C.
Protein change: p.Met225Thr; replaces methionine 225 with threonine.
Molecular consequence: missense variant.
Genome position (GRCh38, 1-based): chr7:94,603,441, A>G on the plus strand (T>C on the coding strand, the complement: SGCE is on the minus strand). VCF-style: chr7-94603441-A-G. GRCh37 (hg19) VCF-style: chr7-94232753-A-G.
Other names: c.674T>C, p.Met225Thr (NM_001099400.2, NM_001099401.2, NM_001346717.2); c.551T>C, p.Met184Thr (NM_001301139.2, NM_001362809.2); c.782T>C, p.Met261Thr (NM_001346713.2, NM_001346715.2); c.587T>C, p.Met196Thr (NM_001346719.2, NM_001362807.2); c.401T>C, p.Met134Thr (NM_001346720.2, NM_001362808.2); short protein forms M134T, M196T, M225T, M261T, M184T.
Identifiers: ClinVar variation 1968001 (VCV001968001.5), dbSNP rs549213726, ClinGen allele CA4348738.
Genomic context (GRCh38, chr7:94,603,441, plus strand): 5'-TGATTCTGTGGATTTTCAACTTCTCGTAAACAAGAAGAAAACGGGACATCTGCACCAACC[A>G]TGACATAAACGCTGTAAAAATGTGAAACTCTCAGGTTATCCTTTAAGAAAATTGAAAACA-3'
Protein context (NP_003910.1, residues 215-235): INDLKEGVYV[Met225Thr]VGADVPFSSC